The following is an entry in ClinVar:

NM_001482.3(GATM):c.811C>A (p.Gln271Lys)

Gene: GATM (glycine amidinotransferase; minus strand). Cytogenetic location: 15q21.1.
Variant type: single nucleotide variant.
Coding change: c.811C>A on transcript NM_001482.3 (MANE Select); coding-DNA position 811, C replaced by A.
Protein change: p.Gln271Lys; replaces glutamine 271 with lysine.
Molecular consequence: missense variant.
Genome position (GRCh38, 1-based): chr15:45,366,373, G>T on the plus strand (C>A on the coding strand, the complement: GATM is on the minus strand). VCF-style: chr15-45366373-G-T. GRCh37 (hg19) VCF-style: chr15-45658571-G-T.
Other names: c.424C>A, p.Gln142Lys (NM_001321015.2); short protein forms Q142K, Q271K.
Identifiers: ClinVar variation 3721170 (VCV003721170.2).

ClinVar aggregate classification (germline): Uncertain significance (1 of 4 stars; one submission).

Conditions:
Arginine:glycine amidinotransferase deficiency (CCDS3). Also called: AGAT deficiency; L-Arginine:Glycine Amidinotransferase Deficiency; Creatine deficiency syndrome due to AGAT deficiency; GATM deficiency; L-Arginine:Glycine Amidinotransferase (AGAT) Deficiency; Cerebral creatine deficiency syndrome 3. Identifiers: Orphanet 35704, MedGen C2675179, MONDO:0012996, OMIM 612718.

Submission:

Labcorp Genetics (formerly Invitae), Labcorp
Classification: Uncertain significance for Arginine:glycine amidinotransferase deficiency. Last evaluated: 2024-10-24. Review status: criteria provided, single submitter. Criteria: Invitae Variant Classification Sherloc (09022015). Collection method: clinical testing. Allele origin: germline.
Comment: This sequence change replaces glutamine, which is neutral and polar, with lysine, which is basic and polar, at codon 271 of the GATM protein (p.Gln271Lys). This variant is not present in population databases (gnomAD no frequency). This variant has not been reported in the literature in individuals affected with GATM-related conditions. Invitae Evidence Modeling of protein sequence and biophysical properties (such as structural, functional, and spatial information, amino acid conservation, physicochemical variation, residue mobility, and thermodynamic stability) indicates that this missense variant is expected to disrupt GATM protein function with a positive predictive value of 95%. In summary, the available evidence is currently insufficient to determine the role of this variant in disease. Therefore, it has been classified as a Variant of Uncertain Significance.